The following is an entry in ClinVar:

NM_001242896.3(DEPDC5):c.3571G>C (p.Val1191Leu)

Gene: DEPDC5 (DEP domain containing 5, GATOR1 subcomplex subunit; plus strand). Cytogenetic location: 22q12.3.
Variant type: single nucleotide variant.
Coding change: c.3571G>C on transcript NM_001242896.3 (MANE Select); coding-DNA position 3571, G replaced by C.
Protein change: p.Val1191Leu; replaces valine 1191 with leucine.
Molecular consequence: missense variant. On other transcripts: non-coding transcript variant (4).
Genome position (GRCh38, 1-based): chr22:31,874,280, G>C. VCF-style: chr22-31874280-G-C. GRCh37 (hg19) VCF-style: chr22-32270266-G-C.
Other names: c.3544G>C, p.Val1182Leu (NM_001136029.4); c.3271G>C, p.Val1091Leu (NM_001242897.2); c.3505G>C, p.Val1169Leu (NM_001363852.2, NM_001364320.2); c.3337G>C, p.Val1113Leu (NM_001363854.2, NM_001364319.2); c.3571G>C, p.Val1191Leu (NM_001364318.2); c.3487G>C, p.Val1163Leu (NM_001369901.1, NM_001369902.1); c.3478G>C, p.Val1160Leu (NM_001369903.1, NM_014662.6); c.3571G>C (NM_001242896.1); short protein forms V1091L, V1113L, V1163L, V1191L, V1182L, V1160L, V1169L.
Identifiers: ClinVar variation 1415628 (VCV001415628.7), dbSNP rs777200870, ClinGen allele CA411277653.

ClinVar aggregate classification (germline): Uncertain significance. Review status: criteria provided, multiple submitters, no conflicts (2 of 4 stars). 2 submissions from 2 submitters: Uncertain significance (2). Last evaluated 2024-06-26.

Conditions:
Familial focal epilepsy with variable foci (FPEVF). Identifiers: Orphanet 98820, MedGen C1858477, MONDO:0020310.
Inborn genetic diseases. Identifiers: MedGen C0950123, MeSH D030342.

gnomAD v4.1: 6 of 1,607,024 alleles (0.00037%); highest among the groups gnomAD compares: Non-Finnish European, 0.00042%; no homozygotes.

Submissions (2):

Ambry Genetics
Classification: Uncertain significance for Inborn genetic diseases. Last evaluated: 2024-06-26. Review status: criteria provided, single submitter. Criteria: Ambry Variant Classification Scheme 2023. Collection method: clinical testing. Allele origin: germline.

Labcorp Genetics (formerly Invitae), Labcorp
Classification: Uncertain significance for Familial focal epilepsy with variable foci. Last evaluated: 2022-11-29. Review status: criteria provided, single submitter. Criteria: Invitae Variant Classification Sherloc (09022015). Collection method: clinical testing. Allele origin: germline.
Comment: In summary, the available evidence is currently insufficient to determine the role of this variant in disease. Therefore, it has been classified as a Variant of Uncertain Significance. Algorithms developed to predict the effect of missense changes on protein structure and function are either unavailable or do not agree on the potential impact of this missense change (SIFT: "Tolerated"; PolyPhen-2: "Not Available"; Align-GVGD: "Class C0"). ClinVar contains an entry for this variant (Variation ID: 1415628). This variant has not been reported in the literature in individuals affected with DEPDC5-related conditions. This variant is not present in population databases (gnomAD no frequency). This sequence change replaces valine, which is neutral and non-polar, with leucine, which is neutral and non-polar, at codon 1191 of the DEPDC5 protein (p.Val1191Leu).